The following is an entry in ClinVar:

ClinVar aggregate classification (germline): Uncertain significance (1 of 4 stars; one submission).

Submission:

Labcorp Genetics (formerly Invitae), Labcorp
Classification: Uncertain significance. Last evaluated: 2025-03-29. Review status: criteria provided, single submitter. Criteria: Invitae Variant Classification Sherloc (09022015). Collection method: clinical testing. Allele origin: germline.
Comment: This sequence change replaces arginine, which is basic and polar, with glutamine, which is neutral and polar, at codon 349 of the DEF6 protein (p.Arg349Gln). This variant is not present in population databases (gnomAD no frequency). This variant has not been reported in the literature in individuals affected with DEF6-related conditions. An algorithm developed to predict the effect of missense changes on protein structure and function (PolyPhen-2) suggests that this variant is likely to be tolerated. In summary, the available evidence is currently insufficient to determine the role of this variant in disease. Therefore, it has been classified as a Variant of Uncertain Significance.

NM_022047.4(DEF6):c.1046G>A (p.Arg349Gln)

Gene: DEF6 (DEF6 guanine nucleotide exchange factor; plus strand). Cytogenetic location: 6p21.31.
Variant type: single nucleotide variant.
Coding change: c.1046G>A on transcript NM_022047.4 (MANE Select); coding-DNA position 1046, G replaced by A.
Protein change: p.Arg349Gln; replaces arginine 349 with glutamine.
Molecular consequence: missense variant.
Genome position (GRCh38, 1-based): chr6:35,318,302, G>A. VCF-style: chr6-35318302-G-A. GRCh37 (hg19) VCF-style: chr6-35286079-G-A.
Other names: short protein forms R349Q.
Identifiers: ClinVar variation 4803532 (VCV004803532.1).